The following is an entry in ClinVar:

NM_017780.4(CHD7):c.7570C>T (p.Leu2524=)

Gene: CHD7 (chromodomain helicase DNA binding protein 7; plus strand). Cytogenetic location: 8q12.2.
Variant type: single nucleotide variant.
Coding change: c.7570C>T on transcript NM_017780.4 (MANE Select); coding-DNA position 7570, C replaced by T.
Protein change: p.Leu2524=; no amino-acid change (leucine 2524 retained).
Molecular consequence: synonymous variant. On other transcripts: intron variant (1).
Genome position (GRCh38, 1-based): chr8:60,856,850, C>T. VCF-style: chr8-60856850-C-T. GRCh37 (hg19) VCF-style: chr8-61769409-C-T.
Other names: c.7570C>T (NM_017780.2); c.1717-5379C>T (NM_001316690.1).
Identifiers: ClinVar variation 529143 (VCV000529143.15), dbSNP rs751931671, ClinGen allele CA4760832.

ClinVar aggregate classification (germline): Conflicting classifications of pathogenicity. Review status: criteria provided, conflicting classifications (1 of 4 stars). 4 submissions from 4 submitters: Uncertain significance (1); Likely benign (3). Last evaluated 2025-12-03.

Conditions:
CHARGE syndrome (CHARGE). Also called: Hittner Hirsch Kreh syndrome; Coloboma, heart anomaly, choanal atresia, retardation, genital and ear anomalies; CHARGE association; Hall-Hittner syndrome; CHARGE ASSOCIATION--COLOBOMA, HEART ANOMALY, CHOANAL ATRESIA, RETARDATION, GENITAL AND EAR ANOMALIES. Identifiers: Orphanet 138, MedGen C0265354, MONDO:0008965.

Allele frequency attached by ClinVar (database versions not stated): gnomAD 0.00003.

Submissions (4):

Labcorp Genetics (formerly Invitae), Labcorp
Classification: Likely benign for CHARGE syndrome. Last evaluated: 2025-12-03. Review status: criteria provided, single submitter. Criteria: Invitae Variant Classification Sherloc (09022015). Collection method: clinical testing. Allele origin: germline.

Blueprint Genetics
Classification: Likely benign. Last evaluated: 2024-09-16. Review status: criteria provided, single submitter. Criteria: ACMG Guidelines, 2015. Collection method: clinical testing. Allele origin: germline.

GeneDx
Classification: Likely benign. Last evaluated: 2020-11-23. Review status: criteria provided, single submitter. Criteria: GeneDx Variant Classification Process June 2021. Collection method: clinical testing. Allele origin: germline. Affected: yes.
Comment: See Variant Classification Assertion Criteria.

Genetic Services Laboratory, University of Chicago
Classification: Uncertain significance. Last evaluated: 2017-07-03. Review status: criteria provided, single submitter. Criteria: ACMG Guidelines, 2015. Collection method: clinical testing. Allele origin: germline. Affected: no.